The following is an entry in ClinVar:

ClinVar aggregate classification (germline): Likely benign. Review status: criteria provided, multiple submitters, no conflicts (2 of 4 stars). 3 submissions from 3 submitters: Likely benign (2). 1 of the submissions does not count toward it. Last evaluated 2024-09-01.

Conditions:
ZNF462-related disorder. Also called: ZNF462-related condition; ZNF462 related disease.
Inborn genetic diseases. Identifiers: MedGen C0950123, MeSH D030342.

Allele frequency attached by ClinVar (database versions not stated): gnomAD exomes 0.00013; ExAC 0.00019; gnomAD 0.00021; TOPMed 0.00023; ESP Exome Variant Server 0.00054.

Submissions (3):

CeGaT Center for Human Genetics Tuebingen
Classification: Likely benign. Last evaluated: 2024-09-01. Review status: criteria provided, single submitter. Criteria: CeGaT Center For Human Genetics Tuebingen Variant Classification Criteria Version 2. Collection method: clinical testing. Allele origin: germline. Affected: yes. Observed: 1 variant allele.
Comment: ZNF462: BS2

Ambry Genetics
Classification: Likely benign for Inborn genetic diseases. Last evaluated: 2023-05-18. Review status: criteria provided, single submitter. Criteria: Ambry Variant Classification Scheme 2023. Collection method: clinical testing. Allele origin: germline.

PreventionGenetics, part of Exact Sciences
Classification: Likely benign for ZNF462-related condition. Last evaluated: 2024-04-18. Review status: no assertion criteria provided. Collection method: clinical testing. Allele origin: germline. Not counted in ClinVar's aggregate classification.
Comment: This variant is classified as likely benign based on ACMG/AMP sequence variant interpretation guidelines (Richards et al. 2015 PMID: 25741868, with internal and published modifications).

NM_021224.6(ZNF462):c.4189A>C (p.Asn1397His)

Gene: ZNF462 (zinc finger protein 462; plus strand). Cytogenetic location: 9q31.2.
Variant type: single nucleotide variant.
Coding change: c.4189A>C on transcript NM_021224.6 (MANE Select); coding-DNA position 4189, A replaced by C.
Protein change: p.Asn1397His; replaces asparagine 1397 with histidine.
Molecular consequence: missense variant. On other transcripts: intron variant (1).
Genome position (GRCh38, 1-based): chr9:106,928,101, A>C. VCF-style: chr9-106928101-A-C. GRCh37 (hg19) VCF-style: chr9-109690382-A-C.
Other names: c.3252+937A>C (NM_001347997.2); c.4189A>C (NM_021224.5); short protein forms N1397H.
Identifiers: ClinVar variation 2510304 (VCV002510304.17), dbSNP rs140665053, ClinGen allele CA5171786.